The following is an entry in ClinVar:

NM_005633.4(SOS1):c.2183A>C (p.Lys728Thr)

Gene: SOS1 (SOS Ras/Rac guanine nucleotide exchange factor 1; minus strand). Cytogenetic location: 2p22.1.
Variant type: single nucleotide variant.
Coding change: c.2183A>C on transcript NM_005633.4 (MANE Select); coding-DNA position 2183, A replaced by C.
Protein change: p.Lys728Thr; replaces lysine 728 with threonine.
Molecular consequence: missense variant.
Genome position (GRCh38, 1-based): chr2:39,012,333, T>G on the plus strand (A>C on the coding strand, the complement: SOS1 is on the minus strand). VCF-style: chr2-39012333-T-G. GRCh37 (hg19) VCF-style: chr2-39239474-T-G.
Other names: c.2162A>C, p.Lys721Thr (NM_001382394.1); c.2183A>C, p.Lys728Thr (NM_001382395.1); short protein forms K721T, K728T.
Identifiers: ClinVar variation 981585 (VCV000981585.9), dbSNP rs397517156, ClinGen allele CA346364450.
Genomic context (GRCh38, chr2:39,012,333, plus strand): 5'-GGTCCATTGTCTCTTGCAATTTTTTTCCTTTGGATTATTTTAGTGATGGATTCAACCCAT[T>G]TTTTCATTGCTTTACCTGCAATACATTATATTTTAAATAACATTTAAATATTCTTTATTT-3'
Protein context (NP_005624.2, residues 718-738): IGTVRGKAMK[Lys728Thr]WVESITKIIQ

ClinVar aggregate classification (germline): Uncertain significance. Review status: criteria provided, multiple submitters, no conflicts (2 of 4 stars). 3 submissions from 3 submitters: Uncertain significance (2). 1 of the submissions does not count toward it. Last evaluated 2024-10-03.

Conditions:
Cardiovascular phenotype. Identifiers: MedGen CN230736.
RASopathy. Also called: rasopathies; Noonan spectrum disorder. Identifiers: Orphanet 536391, MedGen C5555857, MONDO:0021060.
Noonan syndrome (NS). Also called: Noonan's syndrome. Identifiers: Orphanet 648, MedGen C0028326, MeSH D009634, MONDO:0018997. Disease mechanism: gain of function.

Submissions (3):

Labcorp Genetics (formerly Invitae), Labcorp
Classification: Uncertain significance for RASopathy. Last evaluated: 2024-10-03. Review status: criteria provided, single submitter. Criteria: Invitae Variant Classification Sherloc (09022015). Collection method: clinical testing. Allele origin: germline.
Comment: This sequence change replaces lysine, which is basic and polar, with threonine, which is neutral and polar, at codon 728 of the SOS1 protein (p.Lys728Thr). This variant is not present in population databases (gnomAD no frequency). This variant has not been reported in the literature in individuals affected with SOS1-related conditions. ClinVar contains an entry for this variant (Variation ID: 981585). Invitae Evidence Modeling of protein sequence and biophysical properties (such as structural, functional, and spatial information, amino acid conservation, physicochemical variation, residue mobility, and thermodynamic stability) has been performed for this missense variant. However, the output from this modeling did not meet the statistical confidence thresholds required to predict the impact of this variant on SOS1 protein function. This variant disrupts the p.Lys728 amino acid residue in SOS1. Other variant(s) that disrupt this residue have been determined to be pathogenic (PMID: 20461756; internal data). This suggests that this residue is clinically significant, and that variants that disrupt this residue are likely to be disease-causing. In summary, the available evidence is currently insufficient to determine the role of this variant in disease. Therefore, it has been classified as a Variant of Uncertain Significance.

Ambry Genetics
Classification: Uncertain significance for Cardiovascular phenotype. Last evaluated: 2023-11-14. Review status: criteria provided, single submitter. Criteria: Ambry Variant Classification Scheme 2023. Collection method: clinical testing. Allele origin: germline.
Comment: The p.K728T variant (also known as c.2183A>C), located in coding exon 14 of the SOS1 gene, results from an A to C substitution at nucleotide position 2183. The lysine at codon 728 is replaced by threonine, an amino acid with similar properties. This amino acid position is highly conserved in available vertebrate species. In addition, the in silico prediction for this alteration is inconclusive. Since supporting evidence is limited at this time, the clinical significance of this alteration remains unclear.

Service de Génétique Moléculaire, Hôpital Robert Debré
Classification: Likely benign for Noonan syndrome. Review status: no assertion criteria provided. Collection method: clinical testing. Allele origin: paternal. Affected: no. Not counted in ClinVar's aggregate classification.

Literature cited by the submitters: PubMed 20461756 (cited by Labcorp Genetics (formerly Invitae), Labcorp).